The following is an entry in ClinVar:

NM_000535.7(PMS2):c.1519A>T (p.Ser507Cys)

Gene: PMS2 (PMS1 homolog 2, mismatch repair system component; minus strand). Cytogenetic location: 7p22.1.
Variant type: single nucleotide variant.
Coding change: c.1519A>T on transcript NM_000535.7 (MANE Select); coding-DNA position 1519, A replaced by T.
Protein change: p.Ser507Cys; replaces serine 507 with cysteine.
Molecular consequence: missense variant. On other transcripts: non-coding transcript variant (1).
Genome position (GRCh38, 1-based): chr7:5,987,246, T>A on the plus strand (A>T on the coding strand, the complement: PMS2 is on the minus strand). VCF-style: chr7-5987246-T-A. GRCh37 (hg19) VCF-style: chr7-6026877-T-A.
Other names: c.1114A>T, p.Ser372Cys (NM_001018040.1, NM_001322003.2, NM_001322004.2 and 17 more transcripts); c.1363A>T, p.Ser455Cys (NM_001322006.2, NM_001406870.1); c.1201A>T, p.Ser401Cys (NM_001322007.2, NM_001322008.2, NM_001406876.1 and 2 more transcripts); c.958A>T, p.Ser320Cys (NM_001322010.2, NM_001406906.1, NM_001406907.1); c.586A>T, p.Ser196Cys (NM_001322011.2, NM_001322012.2); c.946A>T, p.Ser316Cys (NM_001322013.2, NM_001406909.1); c.1519A>T, p.Ser507Cys (NM_001322014.2, NM_001406871.1, NM_001406872.1); c.1210A>T, p.Ser404Cys (NM_001406877.1, NM_001406878.1, NM_001406879.1 and 5 more transcripts); and 12 more; short protein forms S316C, S336C, S399C, S401C, S441C, S451C, S455C, S515C.
Identifiers: ClinVar variation 2123055 (VCV002123055.4), dbSNP rs63751028, ClinGen allele CA153228189.

ClinVar aggregate classification (germline): Uncertain significance (1 of 4 stars; one submission).

Conditions:
Hereditary nonpolyposis colorectal neoplasms. Identifiers: MedGen C0009405, MeSH D003123.

Submission:

Labcorp Genetics (formerly Invitae), Labcorp
Classification: Uncertain significance for Hereditary nonpolyposis colorectal neoplasms. Last evaluated: 2022-04-08. Review status: criteria provided, single submitter. Criteria: Invitae Variant Classification Sherloc (09022015). Collection method: clinical testing. Allele origin: germline.
Comment: This variant is not present in population databases (gnomAD no frequency). This sequence change replaces serine, which is neutral and polar, with cysteine, which is neutral and slightly polar, at codon 507 of the PMS2 protein (p.Ser507Cys). This variant has not been reported in the literature in individuals affected with PMS2-related conditions. Advanced modeling of protein sequence and biophysical properties (such as structural, functional, and spatial information, amino acid conservation, physicochemical variation, residue mobility, and thermodynamic stability) performed at Invitae indicates that this missense variant is not expected to disrupt PMS2 protein function. In summary, the available evidence is currently insufficient to determine the role of this variant in disease. Therefore, it has been classified as a Variant of Uncertain Significance.